The following is an entry in ClinVar:

ClinVar aggregate classification (germline): Conflicting classifications of pathogenicity. Review status: criteria provided, conflicting classifications (1 of 4 stars). 2 submissions from 2 submitters: Uncertain significance (1); Likely benign (1). Last evaluated 2025-07-29.

Conditions:
Hereditary cancer-predisposing syndrome. Also called: Neoplastic Syndromes, Hereditary; Hereditary Cancer Syndrome; Hereditary neoplastic syndrome; Tumor predisposition. Identifiers: Orphanet 140162, MedGen C0027672, MeSH D009386, MONDO:0015356.
Neuroblastoma, susceptibility to, 3. Also called: ALK-Related Neuroblastic Tumor Susceptibility. Identifiers: Orphanet 635, MedGen C2751681, MONDO:0013083, OMIM 613014.

Allele frequency attached by ClinVar (database versions not stated): gnomAD exomes below 0.00001.
gnomAD v4.1: 1 of 1,611,200 alleles (0.000062%); highest among the groups gnomAD compares: Non-Finnish European, 0.000085%; no homozygotes.

Submissions (2):

Ambry Genetics
Classification: Likely benign for Hereditary cancer-predisposing syndrome. Last evaluated: 2025-07-29. Review status: criteria provided, single submitter. Criteria: Ambry Variant Classification Scheme 2023. Collection method: clinical testing. Allele origin: germline.

Labcorp Genetics (formerly Invitae), Labcorp
Classification: Uncertain significance for Neuroblastoma, susceptibility to, 3. Last evaluated: 2022-01-19. Review status: criteria provided, single submitter. Criteria: Invitae Variant Classification Sherloc (09022015). Collection method: clinical testing. Allele origin: germline.
Comment: In summary, the available evidence is currently insufficient to determine the role of this variant in disease. Therefore, it has been classified as a Variant of Uncertain Significance. Algorithms developed to predict the effect of missense changes on protein structure and function output the following: SIFT: "Deleterious"; PolyPhen-2: "Benign"; Align-GVGD: "Class C0". The serine amino acid residue is found in multiple mammalian species, which suggests that this missense change does not adversely affect protein function. This variant has not been reported in the literature in individuals affected with ALK-related conditions. This variant is not present in population databases (gnomAD no frequency). This sequence change replaces alanine, which is neutral and non-polar, with serine, which is neutral and polar, at codon 518 of the ALK protein (p.Ala518Ser).

NM_004304.5(ALK):c.1552G>T (p.Ala518Ser)

Gene: ALK (ALK receptor tyrosine kinase; minus strand). Cytogenetic location: 2p23.2.
Variant type: single nucleotide variant.
Coding change: c.1552G>T on transcript NM_004304.5 (MANE Select); coding-DNA position 1552, G replaced by T.
Protein change: p.Ala518Ser; replaces alanine 518 with serine.
Molecular consequence: missense variant.
Genome position (GRCh38, 1-based): chr2:29,318,399, C>A on the plus strand (G>T on the coding strand, the complement: ALK is on the minus strand). VCF-style: chr2-29318399-C-A. GRCh37 (hg19) VCF-style: chr2-29541265-C-A.
Other names: c.1552G>T (NM_004304.4); short protein forms A518S.
Identifiers: ClinVar variation 2190557 (VCV002190557.5), dbSNP rs1666897900, ClinGen allele CA346471452.